The following is an entry in ClinVar:

ClinVar aggregate classification (germline): Uncertain significance. Review status: criteria provided, multiple submitters, no conflicts (2 of 4 stars). 2 submissions from 2 submitters: Uncertain significance (2). Last evaluated 2026-01-28.

Conditions:
Autosomal dominant nonsyndromic hearing loss 1. Also called: KONIGSMARK SYNDROME; DEAFNESS, AUTOSOMAL DOMINANT 1, WITH OR WITHOUT THROMBOCYTOPENIA. Identifiers: Orphanet 90635, MedGen C1852282, MONDO:0007424, OMIM 124900.
Progressive microcephaly-seizures-cortical blindness-developmental delay syndrome. Also called: Seizures, cortical blindness, and microcephaly syndrome. Identifiers: Orphanet 477814, MedGen C5567650, MONDO:0014714, OMIM 616632.
Inborn genetic diseases. Identifiers: MedGen C0950123, MeSH D030342.

Allele frequency attached by ClinVar (database versions not stated): gnomAD 0.00004.
gnomAD v4.1: 16 of 1,538,908 alleles (0.001%); highest among the groups gnomAD compares: African/African-American, 0.013%; no homozygotes.

Submissions (2):

Labcorp Genetics (formerly Invitae), Labcorp
Classification: Uncertain significance for Progressive microcephaly-seizures-cortical blindness-developmental delay syndrome; Autosomal dominant nonsyndromic hearing loss 1. Last evaluated: 2026-01-28. Review status: criteria provided, single submitter. Criteria: Invitae Variant Classification Sherloc (09022015). Collection method: clinical testing. Allele origin: germline.
Comment: This sequence change replaces isoleucine, which is neutral and non-polar, with leucine, which is neutral and non-polar, at codon 639 of the DIAPH1 protein (p.Ile639Leu). This variant is present in population databases (no rsID available, gnomAD 0.008%). This variant has not been reported in the literature in individuals affected with DIAPH1-related conditions. ClinVar contains an entry for this variant (Variation ID: 1435269). Experimental studies and prediction algorithms are not available or were not evaluated, and the functional significance of this variant is currently unknown. In summary, the available evidence is currently insufficient to determine the role of this variant in disease. Therefore, it has been classified as a Variant of Uncertain Significance.

Ambry Genetics
Classification: Uncertain significance for Inborn genetic diseases. Last evaluated: 2023-12-06. Review status: criteria provided, single submitter. Criteria: Ambry Variant Classification Scheme 2023. Collection method: clinical testing. Allele origin: germline.

NM_005219.5(DIAPH1):c.1915A>C (p.Ile639Leu)

Gene: DIAPH1 (diaphanous related formin 1; minus strand). Cytogenetic location: 5q31.3.
Variant type: single nucleotide variant.
Coding change: c.1915A>C on transcript NM_005219.5 (MANE Select); coding-DNA position 1915, A replaced by C.
Protein change: p.Ile639Leu; replaces isoleucine 639 with leucine.
Molecular consequence: missense variant.
Genome position (GRCh38, 1-based): chr5:141,573,935, T>G on the plus strand (A>C on the coding strand, the complement: DIAPH1 is on the minus strand). VCF-style: chr5-141573935-T-G. GRCh37 (hg19) VCF-style: chr5-140953502-T-G.
Other names: c.1888A>C, p.Ile630Leu (NM_001079812.3); c.1915A>C, p.Ile639Leu (NM_001314007.2); c.1915A>C (NM_005219.4); short protein forms I639L, I630L.
Identifiers: ClinVar variation 1435269 (VCV001435269.7), dbSNP rs781398463, ClinGen allele CA361520080.